The following is an entry in ClinVar:

NM_139276.3(STAT3):c.1988C>T (p.Thr663Ile)

Gene: STAT3 (signal transducer and activator of transcription 3; minus strand). Cytogenetic location: 17q21.2.
Variant type: single nucleotide variant.
Coding change: c.1988C>T on transcript NM_139276.3 (MANE Select); coding-DNA position 1988, C replaced by T.
Protein change: p.Thr663Ile; replaces threonine 663 with isoleucine.
Molecular consequence: missense variant.
Genome position (GRCh38, 1-based): chr17:42,322,395, G>A on the plus strand (C>T on the coding strand, the complement: STAT3 is on the minus strand). VCF-style: chr17-42322395-G-A. GRCh37 (hg19) VCF-style: chr17-40474413-G-A.
Other names: c.1910C>T, p.Thr637Ile (NM_001384985.1); c.2003C>T, p.Thr668Ile (NM_001384986.1, NM_001384990.1); c.1967C>T, p.Thr656Ile (NM_001384987.1); c.1988C>T, p.Thr663Ile (NM_001384988.1, NM_001384993.1, NM_003150.4 and 9 more transcripts); c.1892C>T, p.Thr631Ile (NM_001384989.1); c.1961C>T, p.Thr654Ile (NM_001384991.1); c.1928C>T, p.Thr643Ile (NM_001384992.1); c.1904C>T, p.Thr635Ile (NM_001384984.1); short protein forms T663I, T631I, T635I, T637I, T643I, T654I, T656I, T668I.
Identifiers: ClinVar variation 224845 (VCV000224845.3), dbSNP rs869312889, ClinGen allele CA357959.

ClinVar aggregate classification (germline): Pathogenic. Review status: criteria provided, single submitter (1 of 4 stars). 2 submissions from 2 submitters: Pathogenic (1). 1 of the submissions does not count toward it. Last evaluated 2014-10-30.

Conditions:
STAT3-related early-onset multisystem autoimmune disease. Also called: Autoimmune disease, multisystem, infantile-onset, 1. Identifiers: Orphanet 438159, MedGen C4014795, MONDO:0014414, OMIM 615952.

Submissions (2):

Lupski Lab, Baylor-Hopkins CMG, Baylor College of Medicine
Classification: Pathogenic for STAT3-related early-onset multisystem autoimmune disease. Last evaluated: 2014-10-30. Review status: criteria provided, single submitter. Criteria: Milner et al. (Blood 2015). Collection method: research. Allele origin: de novo. Inheritance: Autosomal dominant inheritance. Affected: yes. Observed: 1 variant allele, 1 heterozygote.
Comment: segregates with the phenotype in an affected family

OMIM
Classification: Pathogenic for AUTOIMMUNE DISEASE, MULTISYSTEM, INFANTILE-ONSET, 1. Last evaluated: 2016-09-15. Review status: no assertion criteria provided. Collection method: literature only. Allele origin: germline. Not counted in ClinVar's aggregate classification.

Literature cited by the submitters: PubMed 25359994 (cited by OMIM).